The following is an entry in ClinVar:

ClinVar aggregate classification (germline): Uncertain significance. Review status: reviewed by expert panel (3 of 4 stars). 4 submissions from 4 submitters: Uncertain significance (1). 3 of the submissions do not count toward it. Last evaluated 2022-10-10.

Conditions:
Mitochondrial disease. Also called: Mitochondrial disorder; Mitochondrial disorders. Identifiers: Orphanet 68380, MedGen C0751651, MeSH D028361, MONDO:0044970.
MELAS syndrome (MELAS). Also called: Juvenile myopathy, encephalopathy, lactic acidosis, stroke. Identifiers: Orphanet 550, MedGen C0162671, MONDO:0010789, OMIM 540000.

Submissions (4):

ClinGen Mitochondrial Disease Nuclear and Mitochondrial  Variant Curation Expert Panel, ClinGen
Classification: Uncertain significance for Mitochondrial disease. Last evaluated: 2022-10-10. Review status: reviewed by expert panel. Criteria: McCormick et al. (Hum Mutat. 2020). Collection method: curation. Allele origin: germline. Inheritance: Mitochondrial inheritance.
Comment: The m.583G>A variant in MT-TF has been reported in two unrelated individuals with primary mitochondrial disease. The second reported individual had myopathy and retinal dystrophy (PMID 16806928). The variant in the first case was heteroplasmic in the patient’s muscle (58%) but undetectable blood. The variant was also undetectable in the mother's blood. There are no large families reported in the medical literature to consider for evidence of segregation. The variant was reported de novo in one case report as it was absent in mother’s blood (PMID: 9771776), however the variant was also absent in the proband’s blood, no additional tissues were tested, and technology performed at the time of publication would not detect low heteroplasmy levels of the variant. There are no other reports of de novo occurrences to our knowledge. The computational predictor MitoTIP suggests this variant is pathogenic, scoring in the 93.1 percentile, and HmtVAR also predicts it to be pathogenic with a score of 0.85 (PP3). The m.583G>A variant is absent in the GenBank dataset, the Helix dataset, and gnomAD3.1.2 (PM2_supporting). A single-fiber study (PMID: 16806928) showed the variant heteroplasmy to be higher in COX-negative fibers (78±22%; n = 11) than in COX-positive fibers (45±16%; n = 15; P < 0.001). An aminoacylation study (PMID: 17878308) showed significant losses in aminoacylation efficiency for this variant (PS3_supporting). In summary, this variant meets criteria to be classified as uncertain significance for primary mitochondrial disease inherited in a mitochondrial manner. This classification was approved by the NICHD/NINDS U24 ClinGen Mitochondrial Disease Variant Curation Expert Panel on October 10, 2022. Mitochondrial DNA-specific ACMG/AMP criteria applied (PMID: 32906214): PS4_supporting, PS3_supporting, PP3, PM2_supporting.

Wong Mito Lab, Molecular and Human Genetics, Baylor College of Medicine
Classification: Pathogenic for MELAS syndrome. Last evaluated: 2019-07-12. Review status: criteria provided, single submitter. Criteria: Modified ACMG Guidelines (Unpublished). Collection method: clinical testing. Allele origin: germline. Not counted in ClinVar's aggregate classification.
Comment: The NC_012920.1:m.583G>A variant in MT-TF gene is interpreted to be a Pathogenic variant based on the modified ACMG guidelines (unpublished). This variant meets the following evidence codes reported in the guidelines: PS3, PM7, PM8, PP4, PP6

OMIM
Classification: Pathogenic for MELAS SYNDROME. Last evaluated: 1998-10-01. Review status: no assertion criteria provided. Collection method: literature only. Allele origin: germline. Not counted in ClinVar's aggregate classification.

GeneReviews
No classification provided. Condition: MELAS syndrome. Review status: no classification provided. Collection method: literature only. Allele origin: maternal. Not counted in ClinVar's aggregate classification.

Literature cited by the submitters: PubMed 16806928 (cited by ClinGen Mitochondrial Disease Nuclear and Mitochondrial  Variant Curation Expert Panel, ClinGen and Wong Mito Lab, Molecular and Human Genetics, Baylor College of Medicine); PubMed 17878308 (cited by ClinGen Mitochondrial Disease Nuclear and Mitochondrial  Variant Curation Expert Panel, ClinGen); PubMed 31965079 (cited by Wong Mito Lab, Molecular and Human Genetics, Baylor College of Medicine); PubMed 19718780 (cited by Wong Mito Lab, Molecular and Human Genetics, Baylor College of Medicine); PubMed 9771776 (cited by 3 submitters); PubMed 1171391 (cited by OMIM); PubMed 6093682 (cited by OMIM); PubMed 2102678 (cited by OMIM).

NC_012920.1(MT-TF):m.583G>A

Gene: MT-TF (mitochondrially encoded tRNA phenylalanine; plus strand).
Variant type: single nucleotide variant.
Genome position: chrM-583-G-A.
Other names: 583G-A.
Identifiers: ClinVar variation 9573 (VCV000009573.4), dbSNP rs118203885, ClinGen allele CA254834.